The following is an entry in ClinVar:

ClinVar aggregate classification (germline): Pathogenic/Likely pathogenic. Review status: criteria provided, multiple submitters, no conflicts (2 of 4 stars). 3 submissions from 3 submitters: Pathogenic (1); Likely pathogenic (2). Last evaluated 2025-06-02.

Conditions:
Sialidosis type 2. Also called: SIALIDASE DEFICIENCY; SIALIDOSIS, TYPE II; Mucolipidosis type 1; NEU 1 deficiency; CHERRY RED SPOT--MYOCLONUS SYNDROME; NEURAMINIDASE DEFICIENCY. Identifiers: Orphanet 812, Orphanet 87876, MedGen C4282398, MONDO:0009738, OMIM 256550.

Submissions (3):

Human Genetics Bochum, Ruhr University Bochum
Classification: Likely pathogenic for Sialidosis type 2. Last evaluated: 2025-06-02. Review status: criteria provided, single submitter. Criteria: ACMG Guidelines, 2015. Collection method: clinical testing. Allele origin: germline. Affected: yes.
Comment: was identified in compound heterozygous state with c.625del; ACMG criteria used to clasify this variant: PM1, PP3_MOD, PM2_SUP, PP1

Labcorp Genetics (formerly Invitae), Labcorp
Classification: Pathogenic. Last evaluated: 2023-07-21. Review status: criteria provided, single submitter. Criteria: Invitae Variant Classification Sherloc (09022015). Collection method: clinical testing. Allele origin: germline.
Comment: For these reasons, this variant has been classified as Pathogenic. This variant disrupts the p.Arg305 amino acid residue in NEU1. Other variant(s) that disrupt this residue have been observed in individuals with NEU1-related conditions (PMID: 24808020, 25401298, 33121223), which suggests that this may be a clinically significant amino acid residue. This variant is present in population databases (rs761724054, gnomAD 0.003%). This missense change has been observed in individual(s) with sialidosis (PMID: 24808020). In at least one individual the data is consistent with being in trans (on the opposite chromosome) from a pathogenic variant. It has also been observed to segregate with disease in related individuals. An algorithm developed to predict the effect of missense changes on protein structure and function (PolyPhen-2) suggests that this variant is likely to be disruptive. This sequence change replaces arginine, which is basic and polar, with cysteine, which is neutral and slightly polar, at codon 305 of the NEU1 protein (p.Arg305Cys).

Juno Genomics, Hangzhou Juno Genomics, Inc
Classification: Likely pathogenic for Sialidosis type 2. Review status: criteria provided, single submitter. Criteria: ACMG Guidelines, 2015. Collection method: clinical testing. Allele origin: germline.
Comment: Absent from controls (or at extremely low frequency if recessive) in Genome Aggregation Database.;For recessive disorders, detected in trans with a pathogenic variant.;Patient's phenotype or family history is highly specific for a disease with a single genetic etiology.;Multiple lines of computational evidence support a deleterious effect on the gene or gene product.

Literature cited by the submitters: PubMed 24808020 (cited by Labcorp Genetics (formerly Invitae), Labcorp); PubMed 25401298 (cited by Labcorp Genetics (formerly Invitae), Labcorp); PubMed 33121223 (cited by Labcorp Genetics (formerly Invitae), Labcorp).

NM_000434.4(NEU1):c.913C>T (p.Arg305Cys)

Gene: NEU1 (neuraminidase 1; minus strand). Cytogenetic location: 6p21.33.
Variant type: single nucleotide variant.
Coding change: c.913C>T on transcript NM_000434.4 (MANE Select); coding-DNA position 913, C replaced by T.
Protein change: p.Arg305Cys; replaces arginine 305 with cysteine.
Molecular consequence: missense variant.
Genome position (GRCh38, 1-based): chr6:31,860,150, G>A on the plus strand (C>T on the coding strand, the complement: NEU1 is on the minus strand). VCF-style: chr6-31860150-G-A. GRCh37 (hg19) VCF-style: chr6-31827927-G-A.
Other names: short protein forms R305C.
Identifiers: ClinVar variation 2734833 (VCV002734833.6), dbSNP rs761724054, ClinGen allele CA3724925.